The following is an entry in ClinVar:

NM_002618.4(PEX13):c.318C>T (p.Asn106=)

Gene: PEX13 (peroxisomal biogenesis factor 13; plus strand). Cytogenetic location: 2p15.
Variant type: single nucleotide variant.
Coding change: c.318C>T on transcript NM_002618.4 (MANE Select); coding-DNA position 318, C replaced by T.
Protein change: p.Asn106=; no amino-acid change (asparagine 106 retained).
Molecular consequence: synonymous variant.
Genome position (GRCh38, 1-based): chr2:61,031,644, C>T. VCF-style: chr2-61031644-C-T. GRCh37 (hg19) VCF-style: chr2-61258779-C-T.
Other names: c.318C>T (NM_002618.3).
Identifiers: ClinVar variation 1570019 (VCV001570019.9), dbSNP rs2104803339, ClinGen allele CA426411693.

ClinVar aggregate classification (germline): Likely benign. Review status: criteria provided, single submitter (1 of 4 stars). 2 submissions from 2 submitters: Likely benign (1). 1 of the submissions does not count toward it. Last evaluated 2024-02-29.

Conditions:
Peroxisome biogenesis disorder 11A (Zellweger). Also called: Peroxisome biogenesis disorder 11A. Identifiers: Orphanet 912, MedGen C3554000, MONDO:0013949, OMIM 614883.
PEX13-related disorder. Also called: PEX13-related disorders; PEX13-related condition.

Submissions (2):

Labcorp Genetics (formerly Invitae), Labcorp
Classification: Likely benign for Peroxisome biogenesis disorder 11A (Zellweger). Last evaluated: 2024-02-29. Review status: criteria provided, single submitter. Criteria: Invitae Variant Classification Sherloc (09022015). Collection method: clinical testing. Allele origin: germline.

PreventionGenetics, part of Exact Sciences
Classification: Likely benign for PEX13-related condition. Last evaluated: 2024-06-05. Review status: no assertion criteria provided. Collection method: clinical testing. Allele origin: germline. Not counted in ClinVar's aggregate classification.
Comment: This variant is classified as likely benign based on ACMG/AMP sequence variant interpretation guidelines (Richards et al. 2015 PMID: 25741868, with internal and published modifications).